The following is an entry in ClinVar:

NC_000003.11:g.(?_43121181)_(43122923_?)del

Gene: POMGNT2 (protein O-linked mannose N-acetylglucosaminyltransferase 2 (beta 1,4-); minus strand). Cytogenetic location: 3p22.1.
Variant type: Deletion.
Identifiers: ClinVar variation 1459409 (VCV001459409.4).

ClinVar aggregate classification (germline): Pathogenic (1 of 4 stars; one submission).

Conditions:
Muscular dystrophy-dystroglycanopathy (congenital with brain and eye anomalies), type a, 8 (MDDGA8). Also called: WALKER-WARBURG SYNDROME OR MUSCLE-EYE-BRAIN DISEASE, GTDC2-RELATED. Identifiers: Orphanet 899, MedGen C3553813, MONDO:0013904, OMIM 614830.

Submission:

Labcorp Genetics (formerly Invitae), Labcorp
Classification: Pathogenic for Muscular dystrophy-dystroglycanopathy (congenital with brain and eye anomalies), type a, 8. Last evaluated: 2021-09-12. Review status: criteria provided, single submitter. Criteria: Invitae Variant Classification Sherloc (09022015). Collection method: clinical testing. Allele origin: germline.
Comment: For these reasons, this variant has been classified as Pathogenic. This variant has not been reported in the literature in individuals affected with POMGNT2-related conditions. A gross deletion of the genomic region encompassing the full coding sequence of the POMGNT2 gene has been identified. Loss-of-function variants in POMGNT2 are known to be pathogenic (PMID: 22958903, 27066570). The boundaries of this event are unknown as they extend beyond the assayed region for this gene and therefore may encompass additional genes.

Literature cited by the submitters: PubMed 22958903; PubMed 27066570.